The following is an entry in ClinVar:

ClinVar aggregate classification (germline): Uncertain significance (1 of 4 stars; one submission).

Submission:

Labcorp Genetics (formerly Invitae), Labcorp
Classification: Uncertain significance. Last evaluated: 2022-08-09. Review status: criteria provided, single submitter. Criteria: Invitae Variant Classification Sherloc (09022015). Collection method: clinical testing. Allele origin: germline.
Comment: This sequence change replaces alanine, which is neutral and non-polar, with threonine, which is neutral and polar, at codon 1615 of the CPLANE1 protein (p.Ala1615Thr). This variant is not present in population databases (gnomAD no frequency). This variant has not been reported in the literature in individuals affected with CPLANE1-related conditions. Algorithms developed to predict the effect of missense changes on protein structure and function are either unavailable or do not agree on the potential impact of this missense change (SIFT: "Deleterious"; PolyPhen-2: "Probably Damaging"; Align-GVGD: "Class C0"). In summary, the available evidence is currently insufficient to determine the role of this variant in disease. Therefore, it has been classified as a Variant of Uncertain Significance.

NM_001384732.1(CPLANE1):c.4843G>A (p.Ala1615Thr)

Gene: CPLANE1 (ciliogenesis and planar polarity effector complex subunit 1; minus strand). Cytogenetic location: 5p13.2.
Variant type: single nucleotide variant.
Coding change: c.4843G>A on transcript NM_001384732.1 (MANE Select); coding-DNA position 4843, G replaced by A.
Protein change: p.Ala1615Thr; replaces alanine 1615 with threonine.
Molecular consequence: missense variant.
Genome position (GRCh38, 1-based): chr5:37,183,338, C>T on the plus strand (G>A on the coding strand, the complement: CPLANE1 is on the minus strand). VCF-style: chr5-37183338-C-T. GRCh37 (hg19) VCF-style: chr5-37183440-C-T.
Other names: c.4843G>A, p.Ala1615Thr (NM_023073.4); short protein forms A1615T.
Identifiers: ClinVar variation 2014167 (VCV002014167.4), dbSNP rs2547832150, ClinGen allele CA359495718.
Genomic context (GRCh38, chr5:37,183,338, plus strand): 5'-TTAAAGAGGATGATTTTTCTGATTCATAGGACTCAGGAGCAACAACAAAGCAAGAACCAG[C>T]TCTAAACACATTCTGGCTTTTAGTTTTGCTCTGATGTCGTTTTAATGTTGTATGTACATC-3'
Protein context (NP_001371661.1, residues 1605-1625): SKTKSQNVFR[Ala1615Thr]GSCFVVAPES